The following is an entry in ClinVar:

ClinVar aggregate classification (germline): Pathogenic (1 of 4 stars; one submission).

Conditions:
Fanconi anemia (FA). Also called: Fanconi's anemia. Identifiers: Orphanet 84, MedGen C0015625, MeSH D005199, MONDO:0019391.

Submission:

Labcorp Genetics (formerly Invitae), Labcorp
Classification: Pathogenic for Fanconi anemia. Last evaluated: 2025-04-28. Review status: criteria provided, single submitter. Criteria: Invitae Variant Classification Sherloc (09022015). Collection method: clinical testing. Allele origin: germline.
Comment: This sequence change creates a premature translational stop signal (p.Glu1147*) in the SLX4 gene. It is expected to result in an absent or disrupted protein product. Loss-of-function variants in SLX4 are known to be pathogenic (PMID: 21240277). This variant is not present in population databases (gnomAD no frequency). This variant has not been reported in the literature in individuals affected with SLX4-related conditions. For these reasons, this variant has been classified as Pathogenic.

Literature cited by the submitters: PubMed 21240277.

NM_032444.4(SLX4):c.3439G>T (p.Glu1147Ter)

Gene: SLX4 (SLX4 structure-specific endonuclease subunit; minus strand). Cytogenetic location: 16p13.3.
Variant type: single nucleotide variant.
Coding change: c.3439G>T on transcript NM_032444.4 (MANE Select); coding-DNA position 3439, G replaced by T.
Protein change: p.Glu1147Ter; replaces glutamic acid 1147 with a stop codon.
Molecular consequence: nonsense.
Genome position (GRCh38, 1-based): chr16:3,590,199, C>A on the plus strand (G>T on the coding strand, the complement: SLX4 is on the minus strand). VCF-style: chr16-3590199-C-A. GRCh37 (hg19) VCF-style: chr16-3640200-C-A.
Other names: short protein forms E1147*.
Identifiers: ClinVar variation 4803395 (VCV004803395.1).
Genomic context (GRCh38, chr16:3,590,199, plus strand): 5'-TGGTTTGTTCTAGCTCCAGCTCCTCATCCGAGTCCAGTAAGAGGATGACCTCATCTTCTT[C>A]GTTCAGTTTGGATGAAGATTTCTGAGATCTGGAGCTCGAATGGTCAGGATTTGACTGGGT-3'